The following is an entry in ClinVar:

NM_024426.6(WT1):c.1123_1124del (p.Arg375fs)

Gene: WT1 (WT1 transcription factor; minus strand). Cytogenetic location: 11p13.
Variant type: Deletion.
Coding change: c.1123_1124del on transcript NM_024426.6 (MANE Select); coding-DNA positions 1123 to 1124, 2 bases deleted (CG; older notation c.1123_1124delCG).
Protein change: p.Arg375fs; shifts the reading frame from arginine 375.
Molecular consequence: frameshift variant. On other transcripts: 5 prime UTR variant (1), non-coding transcript variant (2).
Genome position (GRCh38, 1-based): chr11:32,396,397-32,396,398, CG deleted on the plus strand (CG on the coding strand, the reverse complement: WT1 is on the minus strand). VCF-style (leftmost placement, unchanged base first): chr11-32396396-ACG-A. GRCh37 (hg19) VCF-style: chr11-32417942-ACG-A.
Other names: c.1072_1073del, p.Arg358fs (NM_000378.6, NM_001407045.1, NM_001407048.1 and 1 more transcripts); c.472_473del, p.Arg158fs (NM_001198551.2); c.421_422del, p.Arg141fs (NM_001198552.2); c.-66_-65del (NM_001367854.1); c.1117_1118del, p.Arg373fs (NM_001407044.1); c.1123_1124del, p.Arg375fs (NM_001407046.1, NM_024424.5); c.1000_1001del, p.Arg334fs (NM_001407047.1); c.949_950del, p.Arg317fs (NM_001407050.1); and 3 more; short protein forms R121fs, R141fs, R158fs, R285fs, R302fs, R317fs, R334fs, R358fs.
Identifiers: ClinVar variation 3386195 (VCV003386195.1).
Genomic context (GRCh38, chr11:32,396,396, plus strand): 5'-GGGGCGTTTCTCACTGGTCTCAGATGCCGACCGTACAAGAGTCGGGGCTACTCCAGGCAC[ACG>A]TCGCACATCCTGCAGGCAGAGAGTAAGAGGAAGGGAGGCTTTAAGCCACATGTGAACATT-3'

ClinVar aggregate classification (germline): Uncertain significance (1 of 4 stars; one submission).

Conditions:
Wilms tumor 1 (WT1). Also called: Wilms tumor, somatic. Identifiers: Orphanet 654, MedGen CN033288, MONDO:0008679, OMIM 194070.

Submission:

All of Us Research Program, National Institutes of Health
Classification: Uncertain significance for Wilms tumor 1. Last evaluated: 2024-10-01. Review status: criteria provided, single submitter. Criteria: ACMG Guidelines, 2015. Collection method: clinical testing. Allele origin: germline. Inheritance: Autosomal dominant inheritance. Observed: 1 variant allele, 1 heterozygote.
Comment: This study involves interpretation of variants in research participants for the purpose of population health screening. Participant phenotype was not available at the time of variant classification. Additional details can be found in publication PMID: 35346344, PMCID: PMC8962531